The following is an entry in ClinVar:

NM_145691.4(ATPAF2):c.133+1G>T

Genes: ATPAF2 (ATP synthase mitochondrial F1 complex assembly factor 2; minus strand), LOC130060409 (ATAC-STARR-seq lymphoblastoid active region 11820; plus strand). Cytogenetic location: 17p11.2.
Variant type: single nucleotide variant.
Coding change: c.133+1G>T on transcript NM_145691.4 (MANE Select); the canonical splice donor site of the intron after coding-DNA position 133, G replaced by T.
Molecular consequence: splice donor variant.
Genome position (GRCh38, 1-based): chr17:18,038,880, C>A on the plus strand (G>T on the coding strand, the complement: ATPAF2 is on the minus strand). VCF-style: chr17-18038880-C-A. GRCh37 (hg19) VCF-style: chr17-17942194-C-A.
Identifiers: ClinVar variation 422342 (VCV000422342.16), dbSNP rs147941728, ClinGen allele CA8422005.

ClinVar aggregate classification (germline): Conflicting classifications of pathogenicity. Review status: criteria provided, conflicting classifications (1 of 4 stars). 6 submissions from 6 submitters: Pathogenic (2); Likely pathogenic (1); Uncertain significance (3). Last evaluated 2025-12-01.

Conditions:
Mitochondrial complex V (ATP synthase) deficiency, nuclear type 1. Also called: Nuclear-Encoded ATPase Deficiency, ATPAF2-Related; MITOCHONDRIAL COMPLEX V (ATP SYNTHASE) DEFICIENCY, ATPAF2 TYPE. Identifiers: Orphanet 254913, MedGen C3276276, MONDO:0011421, OMIM 604273.

Allele frequency attached by ClinVar (database versions not stated): gnomAD exomes 0.00001 and 0.00003; ExAC 0.00002; gnomAD 0.00004 and 0.00005; ESP Exome Variant Server 0.00008; TOPMed 0.00008; 1000 Genomes Project 0.00040; 1000 Genomes Project 30x 0.00062.
gnomAD v4.1: 27 of 1,614,028 alleles (0.0017%); highest among the groups gnomAD compares: African/African-American, 0.032%; no homozygotes.

Submissions (6):

CeGaT Center for Human Genetics Tuebingen
Classification: Likely pathogenic. Last evaluated: 2025-12-01. Review status: criteria provided, single submitter. Criteria: CeGaT Center For Human Genetics Tuebingen Variant Classification Criteria Version 2. Collection method: clinical testing. Allele origin: germline. Affected: yes. Observed: 1 variant allele.
Comment: ATPAF2: PM2, PM3, PVS1:Moderate

Labcorp Genetics (formerly Invitae), Labcorp
Classification: Uncertain significance. Last evaluated: 2024-10-17. Review status: criteria provided, single submitter. Criteria: Invitae Variant Classification Sherloc (09022015). Collection method: clinical testing. Allele origin: germline.
Comment: This sequence change affects a donor splice site in intron 1 of the ATPAF2 gene. It is expected to disrupt RNA splicing. Variants that disrupt the donor or acceptor splice site typically lead to a loss of protein function (PMID: 16199547), however the current clinical and genetic evidence is not sufficient to establish whether loss-of-function variants in ATPAF2 cause disease. This variant is present in population databases (rs147941728, gnomAD 0.03%). Disruption of this splice site has been observed in individual(s) with ATPAF2-related conditions (PMID: 34440436, 34930662). ClinVar contains an entry for this variant (Variation ID: 422342). Algorithms developed to predict the effect of sequence changes on RNA splicing suggest that this variant may disrupt the consensus splice site. In summary, the available evidence is currently insufficient to determine the role of this variant in disease. Therefore, it has been classified as a Variant of Uncertain Significance.

GeneDx
Classification: Pathogenic. Last evaluated: 2023-11-20. Review status: criteria provided, single submitter. Criteria: GeneDx Variant Classification Process June 2021. Collection method: clinical testing. Allele origin: germline. Affected: yes.
Comment: Canonical splice site variant predicted to result in a null allele in a gene for which loss of function is a known mechanism of disease; This variant is associated with the following publications: (PMID: 31589614, 34440436, 34930662)

Laboratorio de Genetica e Diagnostico Molecular, Hospital Israelita Albert Einstein
Classification: Uncertain significance for Mitochondrial complex V (ATP synthase) deficiency, nuclear type 1. Last evaluated: 2022-11-25. Review status: criteria provided, single submitter. Criteria: ACMG Guidelines, 2015. Collection method: clinical testing. Allele origin: germline. Affected: yes. Observed: 1 variant allele.
Comment: ACMG classification criteria: PM2 supporting

3billion
Classification: Pathogenic for Mitochondrial complex V (ATP synthase) deficiency, nuclear type 1. Last evaluated: 2022-05-22. Review status: criteria provided, single submitter. Criteria: ACMG Guidelines, 2015. Collection method: clinical testing. Allele origin: germline. Affected: yes. Observed: 1 homozygote.
Comment: The variant is observed at an extremely low frequency in the gnomAD v2.1.1 dataset (total allele frequency: 0.003%). Canonical splice site: predicted to alter splicing and result in a loss or disruption of normal protein function through nonsense-mediated decay (NMD) or protein truncation. Multiple pathogenic variants are reported downstream of the variant. The patient's phenotype is considered compatible with ATPAF2 related disorder (3billion dataset). Therefore, this variant is classified as likely pathogenic according to the recommendation of ACMG/AMP guideline.

HudsonAlpha Institute for Biotechnology
Classification: Uncertain significance for Mitochondrial complex V (ATP synthase) deficiency, nuclear type 1. Last evaluated: 2019-04-06. Review status: criteria provided, single submitter. Criteria: ACMG Guidelines, 2015. Collection method: research. Allele origin: paternal. Observed: 1 variant allele. Study: CSER-SouthSeq.
Comment: ACMG codes: PM2

Literature cited by the submitters: PubMed 16199547 (cited by Labcorp Genetics (formerly Invitae), Labcorp); PubMed 34440436 (cited by Labcorp Genetics (formerly Invitae), Labcorp); PubMed 34930662 (cited by Labcorp Genetics (formerly Invitae), Labcorp).